The following is an entry in ClinVar:

ClinVar aggregate classification (germline): Uncertain significance (1 of 4 stars; one submission).

Submission:

Women's Health and Genetics/Laboratory Corporation of America, LabCorp
Classification: Uncertain significance. Last evaluated: 2023-06-29. Review status: criteria provided, single submitter. Criteria: LabCorp Variant Classification Summary - May 2015. Collection method: clinical testing. Allele origin: germline.
Comment: Variant summary: BRCA2 c.5380G>C (p.Val1794Leu) results in a conservative amino acid change in the encoded protein sequence. Five of five in-silico tools predict a benign effect of the variant on protein function. The variant was absent in 251012 control chromosomes. The available data on variant occurrences in the general population are insufficient to allow any conclusion about variant significance. To our knowledge, no occurrence of c.5380G>C in individuals affected with BRCA2-related conditions and no experimental evidence demonstrating its impact on protein function have been reported. No submitters have cited clinical-significance assessments for this variant to ClinVar after 2014. Based on the evidence outlined above, the variant was classified as uncertain significance.

NM_000059.4(BRCA2):c.5380G>C (p.Val1794Leu)

Gene: BRCA2 (BRCA2 DNA repair associated; plus strand). Cytogenetic location: 13q13.1.
Variant type: single nucleotide variant.
Coding change: c.5380G>C on transcript NM_000059.4 (MANE Select); coding-DNA position 5380, G replaced by C.
Protein change: p.Val1794Leu; replaces valine 1794 with leucine.
Molecular consequence: missense variant. On other transcripts: non-coding transcript variant (1), intron variant (2).
Genome position (GRCh38, 1-based): chr13:32,339,735, G>C. VCF-style: chr13-32339735-G-C. GRCh37 (hg19) VCF-style: chr13-32913872-G-C.
Other names: c.5380G>C, p.Val1794Leu (NM_001406719.1, NM_001406720.1); c.1910-4823G>C (NM_001406721.1); c.425-4823G>C (NM_001406722.1); short protein forms V1794L.
Identifiers: ClinVar variation 2573591 (VCV002573591.1), dbSNP rs2072528163, ClinGen allele CA387785199.
Genomic context (GRCh38, chr13:32,339,735, plus strand): 5'-CCAGTATTGAAGAATGTTGAAGATCAAAAAAACACTAGTTTTTCCAAAGTAATATCCAAT[G>C]TAAAAGATGCAAATGCATACCCACAAACTGTAAATGAAGATATTTGCGTTGAGGAACTTG-3'
Protein context (NP_000050.3, residues 1784-1804): NTSFSKVISN[Val1794Leu]KDANAYPQTV